The following is an entry in ClinVar:

ClinVar aggregate classification (germline): Uncertain significance (1 of 4 stars; one submission).

Allele frequency attached by ClinVar (database versions not stated): ESP Exome Variant Server 0.00015; TOPMed 0.00023; ExAC 0.00026; gnomAD 0.00030; 1000 Genomes Project 30x 0.00031; 1000 Genomes Project 0.00040.
gnomAD v4.1: 374 of 1,614,222 alleles (0.023%); highest among the groups gnomAD compares: East Asian, 0.13%; no homozygotes.

Submission:

Labcorp Genetics (formerly Invitae), Labcorp
Classification: Uncertain significance. Last evaluated: 2025-10-08. Review status: criteria provided, single submitter. Criteria: Invitae Variant Classification Sherloc (09022015). Collection method: clinical testing. Allele origin: germline.
Comment: This sequence change replaces valine, which is neutral and non-polar, with leucine, which is neutral and non-polar, at codon 1269 of the DSCAML1 protein (p.Val1269Leu). This variant is present in population databases (rs148185662, gnomAD 0.1%), and has an allele count higher than expected for a pathogenic variant. This variant has not been reported in the literature in individuals affected with DSCAML1-related conditions. ClinVar contains an entry for this variant (Variation ID: 2084705). An algorithm developed to predict the effect of missense changes on protein structure and function (PolyPhen-2) suggests that this variant is likely to be tolerated. In summary, the available evidence is currently insufficient to determine the role of this variant in disease. Therefore, it has been classified as a Variant of Uncertain Significance.

NM_020693.4(DSCAML1):c.3625G>C (p.Val1209Leu)

Gene: DSCAML1 (DS cell adhesion molecule like 1; minus strand). Cytogenetic location: 11q23.3.
Variant type: single nucleotide variant.
Coding change: c.3625G>C on transcript NM_020693.4 (MANE Select); coding-DNA position 3625, G replaced by C.
Protein change: p.Val1209Leu; replaces valine 1209 with leucine.
Molecular consequence: missense variant.
Genome position (GRCh38, 1-based): chr11:117,450,632, C>G on the plus strand (G>C on the coding strand, the complement: DSCAML1 is on the minus strand). VCF-style: chr11-117450632-C-G. GRCh37 (hg19) VCF-style: chr11-117321348-C-G.
Other names: short protein forms V1209L.
Identifiers: ClinVar variation 2084705 (VCV002084705.4), dbSNP rs148185662, ClinGen allele CA6296639.